The following is an entry in ClinVar:

Conditions:
Long QT syndrome 5 (LQT5). Identifiers: Orphanet 101016, Orphanet 768, MedGen C1867904, MONDO:0013372, OMIM 613695.

Submission:

Roden Lab, Vanderbilt University Medical Center
No classification provided (evidence only). Condition: Long QT syndrome 5. Review status: no classification provided. Collection method: in vitro. Allele origin: not applicable. Functional consequence: Effect on ion channel function.
ClinVar note: "not provided" was previously submitted as the classification for the variant. However, the classification appeared to be based only on an observation of functional data so it was converted to no classification on 2025-07-30.

NM_000219.6(KCNE1):c.62T>G (p.Val21Gly)

Gene: KCNE1 (potassium voltage-gated channel subfamily E regulatory subunit 1; minus strand). Cytogenetic location: 21q22.12.
Variant type: single nucleotide variant.
Coding change: c.62T>G on transcript NM_000219.6 (MANE Select); coding-DNA position 62, T replaced by G.
Protein change: p.Val21Gly; replaces valine 21 with glycine.
Molecular consequence: missense variant.
Genome position (GRCh38, 1-based): chr21:34,449,573, A>C on the plus strand (T>G on the coding strand, the complement: KCNE1 is on the minus strand). VCF-style: chr21-34449573-A-C. GRCh37 (hg19) VCF-style: chr21-35821871-A-C.
Other names: c.62T>G, p.Val21Gly (NM_001127668.4, NM_001127669.4, NM_001127670.4 and 4 more transcripts); short protein forms V21G.
Identifiers: ClinVar variation 3373943 (VCV003373943.2).
Genomic context (GRCh38, chr21:34,449,573, plus strand): 5'-TTGCCGTCACTGCTGCGGGGGGACCTGCGGGCCAGGCCCGACATGTTGCCACCCTGCTGA[A>C]CTGTCTCCTGCCACAGCTTGGTCAGAAAGGGCGTCACCGCTGTGGTGTTAGACAGGATCA-3'
Protein context (NP_000210.2, residues 11-31): PFLTKLWQET[Val21Gly]QQGGNMSGLA